The following is an entry in ClinVar:

ClinVar aggregate classification (germline): Benign (3 of 4 stars; one submission).

Conditions:
Breast-ovarian cancer, familial, susceptibility to, 1 (BROVCA1). Also called: BRCA1 Hereditary Breast and Ovarian Cancer; OVARIAN CANCER, SUSCEPTIBILITY TO. Identifiers: Orphanet 145, MedGen C2676676, MONDO:0011450, OMIM 604370. Disease mechanism: loss of function.

Allele frequency attached by ClinVar (database versions not stated): gnomAD 0.00557; 1000 Genomes Project 0.00659; 1000 Genomes Project 30x 0.00671; TOPMed 0.00676.
gnomAD v4.1: 906 of 152,328 alleles (0.59%); highest among the groups gnomAD compares: African/African-American, 2.1%; 14 homozygotes.

Submission:

Evidence-based Network for the Interpretation of Germline Mutant Alleles (ENIGMA)
Classification: Benign for Breast-ovarian cancer, familial 1. Last evaluated: 2015-01-12. Review status: reviewed by expert panel. Criteria: ENIGMA BRCA1/2 Classification Criteria (2015). Collection method: curation. Allele origin: germline.
Comment: Class 1 not pathogenic based on frequency >1% in an outbred sampleset. Frequency 0.02846 (African), derived from 1000 genomes (2012-04-30).

NM_007294.4(BRCA1):c.4186-2050A>G

Gene: BRCA1 (BRCA1 DNA repair associated; minus strand). Cytogenetic location: 17q21.31.
Variant type: single nucleotide variant.
Coding change: c.4186-2050A>G on transcript NM_007294.4 (MANE Select); 2050 bases into the intron before coding-DNA position 4186, A replaced by G.
Molecular consequence: intron variant.
Genome position (GRCh38, 1-based): chr17:43,084,625, T>C on the plus strand (A>G on the coding strand, the complement: BRCA1 is on the minus strand). VCF-style: chr17-43084625-T-C. GRCh37 (hg19) VCF-style: chr17-41236642-T-C.
Other names: IVS 12-2050A>G; c.736-2050A>G (NM_001408458.1, NM_001408453.1, NM_001408461.1 and 8 more transcripts); c.3298-2050A>G (NM_001407967.1, NM_001407966.1); c.3805-2050A>G (NM_001407959.1, NM_001407960.1); c.3919-2050A>G (NM_001407931.1, NM_001407932.1, NM_001407936.1 and 1 more transcripts); c.4042-2050A>G (NM_001407747.1, NM_001407839.1, NM_001407745.1 and 17 more transcripts); c.3802-2050A>G (NM_001407962.1); c.373-2050A>G (NM_001408512.1); and 65 more.
Identifiers: ClinVar variation 209416 (VCV000209416.2), dbSNP rs8176178, ClinGen allele CA276388.